The following is an entry in ClinVar:

ClinVar aggregate classification (germline): Likely benign. Review status: criteria provided, multiple submitters, no conflicts (2 of 4 stars). 4 submissions from 4 submitters: Likely benign (4). Last evaluated 2026-01-18.

Allele frequency attached by ClinVar (database versions not stated): gnomAD exomes 0.00005 and 0.00010; ExAC 0.00014; 1000 Genomes Project 0.00040; gnomAD 0.00051 and 0.00055; ESP Exome Variant Server 0.00054; 1000 Genomes Project 30x 0.00062.
gnomAD v4.1: 154 of 1,612,050 alleles (0.0096%); highest among the groups gnomAD compares: African/African-American, 0.17%; no homozygotes.

Submissions (5):

Labcorp Genetics (formerly Invitae), Labcorp
Classification: Likely benign. Last evaluated: 2026-01-18. Review status: criteria provided, single submitter. Criteria: Invitae Variant Classification Sherloc (09022015). Collection method: clinical testing. Allele origin: germline.

CeGaT Center for Human Genetics Tuebingen
Classification: Likely benign. Last evaluated: 2025-09-01. Review status: criteria provided, single submitter. Criteria: CeGaT Center For Human Genetics Tuebingen Variant Classification Criteria Version 2. Collection method: clinical testing. Allele origin: germline. Affected: yes. Observed: 1 variant allele.
Comment: ZNF341: BP4, BP7

Blueprint Genetics
Classification: Likely benign. Last evaluated: 2024-11-13. Review status: criteria provided, single submitter. Criteria: ACMG Guidelines, 2015. Collection method: clinical testing. Allele origin: germline.

Breakthrough Genomics
Classification: Likely benign. Review status: criteria provided, single submitter. Criteria: ACMG Guidelines, 2015. Collection method: not provided. Allele origin: germline. Inheritance: Autosomal recessive inheritance. Affected: yes.

Dr. Peter K. Rogan Lab, Western University
No classification provided (evidence only). Condition: Familial cancer of breast. Review status: no classification provided. Collection method: in vitro. Allele origin: not applicable. Functional consequence: retained intron. Not counted in ClinVar's aggregate classification.

NM_001282933.2(ZNF341):c.1242G>A (p.Pro414=)

Gene: ZNF341 (zinc finger protein 341; plus strand). Cytogenetic location: 20q11.22.
Variant type: single nucleotide variant.
Coding change: c.1242G>A on transcript NM_001282933.2 (MANE Select); coding-DNA position 1242, G replaced by A.
Protein change: p.Pro414=; no amino-acid change (proline 414 retained).
Molecular consequence: synonymous variant. On other transcripts: non-coding transcript variant (1).
Genome position (GRCh38, 1-based): chr20:33,766,870, G>A. VCF-style: chr20-33766870-G-A. GRCh37 (hg19) VCF-style: chr20-32354676-G-A.
Other names: c.972G>A, p.Pro324= (NM_001282935.2); c.1221G>A, p.Pro407= (NM_032819.5).
Identifiers: ClinVar variation 1551595 (VCV001551595.18), dbSNP rs149946526, ClinGen allele CA9819405.
Genomic context (GRCh38, chr20:33,766,870, plus strand): 5'-GGGCCGGCTCCTTGTCCTGACTTCCCTGGCTTTCTCCACAGGGTTGGGCCAGCCCCTGCC[G>A]GGTGCGCCACAGCCCCAGGCCTTGTCCACAGCTGGTGAGGAAGAGGGGGACAAGCCGGAG-3'
Protein context (NP_001269862.1, residues 404-424): EESTGLGQPL[Pro414=]GAPQPQALST